The following is an entry in ClinVar:

ClinVar aggregate classification (germline): Uncertain significance. Review status: criteria provided, multiple submitters, no conflicts (2 of 4 stars). 2 submissions from 2 submitters: Uncertain significance (2). Last evaluated 2025-07-13.

Conditions:
Hereditary cancer-predisposing syndrome. Also called: Hereditary neoplastic syndrome; Tumor predisposition; Neoplastic Syndromes, Hereditary; Hereditary Cancer Syndrome. Identifiers: Orphanet 140162, MedGen C0027672, MeSH D009386, MONDO:0015356.
Neuroblastoma, susceptibility to, 3. Also called: ALK-Related Neuroblastic Tumor Susceptibility. Identifiers: Orphanet 635, MedGen C2751681, MONDO:0013083, OMIM 613014.

Submissions (2):

Labcorp Genetics (formerly Invitae), Labcorp
Classification: Uncertain significance for Neuroblastoma, susceptibility to, 3. Last evaluated: 2025-07-13. Review status: criteria provided, single submitter. Criteria: Invitae Variant Classification Sherloc (09022015). Collection method: clinical testing. Allele origin: germline.
Comment: This sequence change replaces glycine, which is neutral and non-polar, with arginine, which is basic and polar, at codon 718 of the ALK protein (p.Gly718Arg). This variant is not present in population databases (gnomAD no frequency). This variant has not been reported in the literature in individuals affected with ALK-related conditions. ClinVar contains an entry for this variant (Variation ID: 961962). An algorithm developed to predict the effect of missense changes on protein structure and function (PolyPhen-2) suggests that this variant is likely to be disruptive. In summary, the available evidence is currently insufficient to determine the role of this variant in disease. Therefore, it has been classified as a Variant of Uncertain Significance.

Ambry Genetics
Classification: Uncertain significance for Hereditary cancer-predisposing syndrome. Last evaluated: 2024-05-25. Review status: criteria provided, single submitter. Criteria: Ambry Variant Classification Scheme 2023. Collection method: clinical testing. Allele origin: germline.
Comment: The p.G718R variant (also known as c.2152G>C), located in coding exon 12 of the ALK gene, results from a G to C substitution at nucleotide position 2152. The glycine at codon 718 is replaced by arginine, an amino acid with dissimilar properties. This amino acid position is conserved. In addition, the in silico prediction for this alteration is inconclusive. Based on the available evidence, the clinical significance of this variant remains unclear.

NM_004304.5(ALK):c.2152G>C (p.Gly718Arg)

Gene: ALK (ALK receptor tyrosine kinase; minus strand). Cytogenetic location: 2p23.2.
Variant type: single nucleotide variant.
Coding change: c.2152G>C on transcript NM_004304.5 (MANE Select); coding-DNA position 2152, G replaced by C.
Protein change: p.Gly718Arg; replaces glycine 718 with arginine.
Molecular consequence: missense variant.
Genome position (GRCh38, 1-based): chr2:29,251,157, C>G on the plus strand (G>C on the coding strand, the complement: ALK is on the minus strand). VCF-style: chr2-29251157-C-G. GRCh37 (hg19) VCF-style: chr2-29474023-C-G.
Other names: short protein forms G718R.
Identifiers: ClinVar variation 961962 (VCV000961962.10), dbSNP rs1664805998, ClinGen allele CA346476856.
Genomic context (GRCh38, chr2:29,251,157, plus strand): 5'-ATACGCACCTGTAGGTGTCGGTGGCTGGCACCTTCCAGATCTGGATGCCTTTCAGGGGGC[C>G]CTCGCTCCCCACCTCCACGCTCAGGTTGGAGTTCTGGTAGGCGTTGTTGCACTGTGCCTG-3'
Protein context (NP_004295.2, residues 708-728): SNLSVEVGSE[Gly718Arg]PLKGIQIWKV